The following is an entry in ClinVar:

ClinVar aggregate classification (germline): Uncertain significance (1 of 4 stars; one submission).

Conditions:
Charcot-Marie-Tooth disease type 4. Also called: Charcot-Marie-Tooth, Type 4; Charcot-Marie-Tooth disease, type IV. Identifiers: Orphanet 64749, MedGen C4082197, MONDO:0018995.

Submission:

Labcorp Genetics (formerly Invitae), Labcorp
Classification: Uncertain significance for Charcot-Marie-Tooth disease type 4. Last evaluated: 2016-08-02. Review status: criteria provided, single submitter. Criteria: Invitae Variant Classification Sherloc (09022015). Collection method: clinical testing. Allele origin: germline.
Comment: This sequence change replaces leucine with proline at codon 966 of the SH3TC2 protein (p.Leu966Pro). The leucine residue is highly conserved and there is a moderate physicochemical difference between leucine and proline. This variant is not present in population databases (ExAC no frequency) and has not been reported in the literature in individuals with a SH3TC2-related disease. Algorithms developed to predict the effect of missense changes on protein structure and function (SIFT, PolyPhen-2, Align-GVGD) all suggest that this variant is likely to be disruptive, but these predictions have not been confirmed by published functional studies. In summary, this variant is a novel missense change with uncertain impact on protein function. Therefore, it has been classified as a Variant of Uncertain Significance.

NM_024577.4(SH3TC2):c.2897T>C (p.Leu966Pro)

Gene: SH3TC2 (SH3 domain and tetratricopeptide repeats 2; minus strand). Cytogenetic location: 5q32.
Variant type: single nucleotide variant.
Coding change: c.2897T>C on transcript NM_024577.4 (MANE Select); coding-DNA position 2897, T replaced by C.
Protein change: p.Leu966Pro; replaces leucine 966 with proline.
Molecular consequence: missense variant.
Genome position (GRCh38, 1-based): chr5:149,026,728, A>G on the plus strand (T>C on the coding strand, the complement: SH3TC2 is on the minus strand). VCF-style: chr5-149026728-A-G. GRCh37 (hg19) VCF-style: chr5-148406291-A-G.
Other names: short protein forms L966P.
Identifiers: ClinVar variation 407268 (VCV000407268.9), dbSNP rs1060501469, ClinGen allele CA16611827.